The following is an entry in ClinVar:

ClinVar aggregate classification (germline): Uncertain significance (1 of 4 stars; one submission).

Submission:

Labcorp Genetics (formerly Invitae), Labcorp
Classification: Uncertain significance. Last evaluated: 2022-02-24. Review status: criteria provided, single submitter. Criteria: Invitae Variant Classification Sherloc (09022015). Collection method: clinical testing. Allele origin: germline.
Comment: In summary, the available evidence is currently insufficient to determine the role of this variant in disease. Therefore, it has been classified as a Variant of Uncertain Significance. Algorithms developed to predict the effect of missense changes on protein structure and function are either unavailable or do not agree on the potential impact of this missense change (SIFT: "Tolerated"; PolyPhen-2: "Probably Damaging"; Align-GVGD: "Class C0"). This variant has not been reported in the literature in individuals affected with COX6A1-related conditions. This variant is not present in population databases (gnomAD no frequency). This sequence change replaces alanine, which is neutral and non-polar, with proline, which is neutral and non-polar, at codon 28 of the COX6A1 protein (p.Ala28Pro).

NM_004373.4(COX6A1):c.82G>C (p.Ala28Pro)

Gene: COX6A1 (cytochrome c oxidase subunit 6A1; plus strand). Cytogenetic location: 12q24.31.
Variant type: single nucleotide variant.
Coding change: c.82G>C on transcript NM_004373.4 (MANE Select); coding-DNA position 82, G replaced by C.
Protein change: p.Ala28Pro; replaces alanine 28 with proline.
Molecular consequence: missense variant.
Genome position (GRCh38, 1-based): chr12:120,438,208, G>C. VCF-style: chr12-120438208-G-C. GRCh37 (hg19) VCF-style: chr12-120876011-G-C.
Other names: short protein forms A28P.
Identifiers: ClinVar variation 2102840 (VCV002102840.4), dbSNP rs1592976675, ClinGen allele CA386568243.